The following is an entry in ClinVar:

ClinVar aggregate classification (germline): Benign/Likely benign. Review status: criteria provided, multiple submitters, no conflicts (2 of 4 stars). 3 submissions from 3 submitters: Benign (2); Likely benign (1). Last evaluated 2024-11-27.

Allele frequency attached by ClinVar (database versions not stated): TOPMed 0.36230; ESP Exome Variant Server 0.36666; 1000 Genomes Project 30x 0.36680; gnomAD 0.37051 and 0.37867; 1000 Genomes Project 0.37320; gnomAD exomes 0.44871 and 0.46331; ExAC 0.46920.
gnomAD v4.1: 721,632 of 1,589,552 alleles (45%); highest among the groups gnomAD compares: South Asian, 49%; 167,624 homozygotes.

Submissions (3):

Blueprint Genetics
Classification: Likely benign. Last evaluated: 2024-11-27. Review status: criteria provided, single submitter. Criteria: ACMG Guidelines, 2015. Collection method: clinical testing. Allele origin: germline.

GeneDx
Classification: Benign. Last evaluated: 2018-06-18. Review status: criteria provided, single submitter. Criteria: GeneDx Variant Classification (06012015). Collection method: clinical testing. Allele origin: germline. Affected: yes.
Comment: This variant is considered likely benign or benign based on one or more of the following criteria: it is a conservative change, it occurs at a poorly conserved position in the protein, it is predicted to be benign by multiple in silico algorithms, and/or has population frequency not consistent with disease.

Breakthrough Genomics
Classification: Benign. Review status: criteria provided, single submitter. Criteria: ACMG Guidelines, 2015. Collection method: not provided. Allele origin: germline. Inheritance: Unknown mechanism. Affected: yes.

NM_002907.4(RECQL):c.17-17C>T

Gene: RECQL (RecQ like helicase; minus strand). Cytogenetic location: 12p12.1.
Variant type: single nucleotide variant.
Coding change: c.17-17C>T on transcript NM_002907.4 (MANE Select); 17 bases into the intron before coding-DNA position 17, C replaced by T.
Molecular consequence: intron variant.
Genome position (GRCh38, 1-based): chr12:21,491,733, G>A on the plus strand (C>T on the coding strand, the complement: RECQL is on the minus strand). VCF-style: chr12-21491733-G-A. GRCh37 (hg19) VCF-style: chr12-21644667-G-A.
Other names: c.17-17C>T (NM_032941.3).
Identifiers: ClinVar variation 679680 (VCV000679680.3), dbSNP rs10841834, ClinGen allele CA6479222.